The following is an entry in ClinVar:

NM_016604.4(KDM3B):c.4070G>A (p.Cys1357Tyr)

Gene: KDM3B (lysine demethylase 3B; plus strand). Cytogenetic location: 5q31.2.
Variant type: single nucleotide variant.
Coding change: c.4070G>A on transcript NM_016604.4 (MANE Select); coding-DNA position 4070, G replaced by A.
Protein change: p.Cys1357Tyr; replaces cysteine 1357 with tyrosine.
Molecular consequence: missense variant.
Genome position (GRCh38, 1-based): chr5:138,424,172, G>A. VCF-style: chr5-138424172-G-A. GRCh37 (hg19) VCF-style: chr5-137759861-G-A.
Other names: short protein forms C1357Y.
Identifiers: ClinVar variation 2630417 (VCV002630417.2), dbSNP rs370781745, ClinGen allele CA3429389.

ClinVar aggregate classification (germline): Uncertain significance. Review status: criteria provided, multiple submitters, no conflicts (2 of 4 stars). 2 submissions from 2 submitters: Uncertain significance (2). Last evaluated 2026-02-09.

Conditions:
KDM3B-related disorder. Also called: KDM3B-related condition.

Allele frequency attached by ClinVar (database versions not stated): ExAC 0.00001; gnomAD 0.00001; TOPMed 0.00002; ESP Exome Variant Server 0.00008.
gnomAD v4.1: 2 of 1,614,002 alleles (0.00012%); highest among the groups gnomAD compares: African/African-American, 0.0027%; no homozygotes.

Submissions (2):

GeneDx
Classification: Uncertain significance. Last evaluated: 2026-02-09. Review status: criteria provided, single submitter. Criteria: GeneDx Variant Classification Process June 2021. Collection method: clinical testing. Allele origin: germline.
Comment: Not observed at significant frequency in large population cohorts (gnomAD); In silico analysis suggests that this missense variant does not alter protein structure/function; Has not been previously published as pathogenic or benign to our knowledge

PreventionGenetics, part of Exact Sciences
Classification: Uncertain significance for KDM3B-related condition. Last evaluated: 2023-02-12. Review status: criteria provided, single submitter. Criteria: ACMG Guidelines, 2015. Collection method: clinical testing. Allele origin: germline.
Comment: The KDM3B c.4070G>A variant is predicted to result in the amino acid substitution p.Cys1357Tyr. To our knowledge, this variant has not been reported in the literature or in a large population database, indicating this variant is rare. At this time, the clinical significance of this variant is uncertain due to the absence of conclusive functional and genetic evidence.